The following is an entry in ClinVar:

NM_152309.3(PIK3AP1):c.218C>T (p.Ala73Val)

Gene: PIK3AP1 (phosphoinositide-3-kinase adaptor protein 1; minus strand). Cytogenetic location: 10q24.1.
Variant type: single nucleotide variant.
Coding change: c.218C>T on transcript NM_152309.3 (MANE Select); coding-DNA position 218, C replaced by T.
Protein change: p.Ala73Val; replaces alanine 73 with valine.
Molecular consequence: missense variant.
Genome position (GRCh38, 1-based): chr10:96,709,779, G>A on the plus strand (C>T on the coding strand, the complement: PIK3AP1 is on the minus strand). VCF-style: chr10-96709779-G-A. GRCh37 (hg19) VCF-style: chr10-98469536-G-A.
Other names: short protein forms A73V.
Identifiers: ClinVar variation 2059947 (VCV002059947.4), dbSNP rs143976553, ClinGen allele CA5626587.
Genomic context (GRCh38, chr10:96,709,779, plus strand): 5'-TGGAAAGCTCTCTGCAGCAGGGGCAGCAAGGCGGGCTTGTGGAAGTGCTGCACCAGCTCC[G>A]CGGACAGCAGCACCACGACACAGCGGGTGCTGAGGAAAAGGCTTAGGTCCTCTGCCGAGA-3'
Protein context (NP_689522.2, residues 63-83): STRCVVVLLS[Ala73Val]ELVQHFHKPA

ClinVar aggregate classification (germline): Uncertain significance (1 of 4 stars; one submission).

Conditions:
Infantile spasms. Also called: Infantile spasm. Identifiers: MedGen C3887898, HP:0012469.

Allele frequency attached by ClinVar (database versions not stated): gnomAD exomes below 0.00001; ExAC 0.00001; TOPMed 0.00002; ESP Exome Variant Server 0.00008.
gnomAD v4.1: 4 of 1,613,544 alleles (0.00025%); highest among the groups gnomAD compares: East Asian, 0.0022%; no homozygotes.

Submission:

Labcorp Genetics (formerly Invitae), Labcorp
Classification: Uncertain significance for Infantile spasms. Last evaluated: 2024-07-22. Review status: criteria provided, single submitter. Criteria: Invitae Variant Classification Sherloc (09022015). Collection method: clinical testing. Allele origin: germline.
Comment: This sequence change replaces alanine, which is neutral and non-polar, with valine, which is neutral and non-polar, at codon 73 of the PIK3AP1 protein (p.Ala73Val). This variant is present in population databases (rs143976553, gnomAD 0.0009%). This variant has not been reported in the literature in individuals affected with PIK3AP1-related conditions. ClinVar contains an entry for this variant (Variation ID: 2059947). An algorithm developed to predict the effect of missense changes on protein structure and function (PolyPhen-2) suggests that this variant is likely to be tolerated. In summary, the available evidence is currently insufficient to determine the role of this variant in disease. Therefore, it has been classified as a Variant of Uncertain Significance.